The following is an entry in ClinVar:

ClinVar aggregate classification (germline): Uncertain significance (1 of 4 stars; one submission).

Submission:

Labcorp Genetics (formerly Invitae), Labcorp
Classification: Uncertain significance. Last evaluated: 2022-08-30. Review status: criteria provided, single submitter. Criteria: Invitae Variant Classification Sherloc (09022015). Collection method: clinical testing. Allele origin: germline.
Comment: In summary, the available evidence is currently insufficient to determine the role of this variant in disease. Therefore, it has been classified as a Variant of Uncertain Significance. Algorithms developed to predict the effect of missense changes on protein structure and function are either unavailable or do not agree on the potential impact of this missense change (SIFT: "Deleterious"; PolyPhen-2: "Probably Damaging"; Align-GVGD: "Class C0"). This variant has not been reported in the literature in individuals affected with EFEMP1-related conditions. This variant is not present in population databases (gnomAD no frequency). This sequence change replaces alanine, which is neutral and non-polar, with proline, which is neutral and non-polar, at codon 122 of the EFEMP1 protein (p.Ala122Pro).

NM_001039348.3(EFEMP1):c.364G>C (p.Ala122Pro)

Gene: EFEMP1 (EGF-like fibulin extracellular matrix protein 1; minus strand). Cytogenetic location: 2p16.1.
Variant type: single nucleotide variant.
Coding change: c.364G>C on transcript NM_001039348.3 (MANE Select); coding-DNA position 364, G replaced by C.
Protein change: p.Ala122Pro; replaces alanine 122 with proline.
Molecular consequence: missense variant.
Genome position (GRCh38, 1-based): chr2:55,917,818, C>G on the plus strand (G>C on the coding strand, the complement: EFEMP1 is on the minus strand). VCF-style: chr2-55917818-C-G. GRCh37 (hg19) VCF-style: chr2-56144953-C-G.
Other names: c.364G>C, p.Ala122Pro (NM_001039349.3); short protein forms A122P.
Identifiers: ClinVar variation 1718376 (VCV001718376.5), dbSNP rs2465837111, ClinGen allele CA347026618.